The following is an entry in ClinVar:

NM_022489.4(INF2):c.745G>A (p.Glu249Lys)

Gene: INF2 (inverted formin 2; plus strand). Cytogenetic location: 14q32.33.
Variant type: single nucleotide variant.
Coding change: c.745G>A on transcript NM_022489.4 (MANE Select); coding-DNA position 745, G replaced by A.
Protein change: p.Glu249Lys; replaces glutamic acid 249 with lysine.
Molecular consequence: missense variant.
Genome position (GRCh38, 1-based): chr14:104,706,078, G>A. VCF-style: chr14-104706078-G-A. GRCh37 (hg19) VCF-style: chr14-105172415-G-A.
Other names: c.745G>A, p.Glu249Lys (NM_001031714.4); short protein forms E249K.
Identifiers: ClinVar variation 1522245 (VCV001522245.7), dbSNP rs375843743, ClinGen allele CA267321654.

ClinVar aggregate classification (germline): Uncertain significance. Review status: criteria provided, multiple submitters, no conflicts (2 of 4 stars). 2 submissions from 2 submitters: Uncertain significance (2). Last evaluated 2024-05-24.

Conditions:
Charcot-Marie-Tooth disease dominant intermediate E. Also called: CHARCOT-MARIE-TOOTH NEUROPATHY WITH FOCAL SEGMENTAL GLOMERULONEPHRITIS. Identifiers: Orphanet 93114, MedGen C4302667, MONDO:0013758, OMIM 614455.
Focal segmental glomerulosclerosis 5 (FSGS5). Identifiers: Orphanet 656, MedGen C2750475, MONDO:0013191, OMIM 613237.

Allele frequency attached by ClinVar (database versions not stated): gnomAD exomes below 0.00001 and 0.00001; TOPMed 0.00001; ESP Exome Variant Server 0.00008.
gnomAD v4.1: 5 of 1,612,600 alleles (0.00031%); highest among the groups gnomAD compares: East Asian, 0.0022%; no homozygotes.

Submissions (2):

Fulgent Genetics
Classification: Uncertain significance for Focal segmental glomerulosclerosis 5; Charcot-Marie-Tooth disease dominant intermediate E. Last evaluated: 2024-05-24. Review status: criteria provided, single submitter. Criteria: ACMG Guidelines, 2015. Collection method: clinical testing. Allele origin: germline.

Labcorp Genetics (formerly Invitae), Labcorp
Classification: Uncertain significance for Charcot-Marie-Tooth disease dominant intermediate E; Focal segmental glomerulosclerosis 5. Last evaluated: 2022-10-09. Review status: criteria provided, single submitter. Criteria: Invitae Variant Classification Sherloc (09022015). Collection method: clinical testing. Allele origin: germline.
Comment: This sequence change replaces glutamic acid, which is acidic and polar, with lysine, which is basic and polar, at codon 249 of the INF2 protein (p.Glu249Lys). In summary, the available evidence is currently insufficient to determine the role of this variant in disease. Therefore, it has been classified as a Variant of Uncertain Significance. Advanced modeling of protein sequence and biophysical properties (such as structural, functional, and spatial information, amino acid conservation, physicochemical variation, residue mobility, and thermodynamic stability) has been performed at Invitae for this missense variant, however the output from this modeling did not meet the statistical confidence thresholds required to predict the impact of this variant on INF2 protein function. ClinVar contains an entry for this variant (Variation ID: 1522245). This variant has not been reported in the literature in individuals affected with INF2-related conditions. This variant is present in population databases (rs375843743, gnomAD 0.006%).